The following is an entry in ClinVar:

ClinVar aggregate classification (germline): Conflicting classifications of pathogenicity. Review status: criteria provided, conflicting classifications (1 of 4 stars). 10 submissions from 10 submitters: Uncertain significance (6); Likely benign (1). 3 of the submissions do not count toward it. Last evaluated 2026-10-01.

Conditions:
Inborn genetic diseases. Identifiers: MedGen C0950123, MeSH D030342.
Infantile neuroaxonal dystrophy (NBIA2A). Also called: Infantile neuroaxonal dystrophy 1; NEURODEGENERATION WITH BRAIN IRON ACCUMULATION 2A; SEITELBERGER DISEASE. Identifiers: Orphanet 35069, MedGen C0270724, MONDO:0024457, OMIM 256600.

Allele frequency attached by ClinVar (database versions not stated): 1000 Genomes Project 0.00020; ESP Exome Variant Server 0.00023; 1000 Genomes Project 30x 0.00031; TOPMed 0.00031; gnomAD 0.00034 and 0.00035; gnomAD exomes 0.00047 and 0.00050; ExAC 0.00054.
gnomAD v4.1: 730 of 1,613,554 alleles (0.045%); highest among the groups gnomAD compares: South Asian, 0.1%; 1 homozygote.

Submissions (10):

GeneDx
Classification: Uncertain significance. Last evaluated: 2026-10-01. Review status: criteria provided, single submitter. Criteria: GeneDx Variant Classification Process June 2021. Collection method: clinical testing. Allele origin: germline.
Comment: Reported previously in a patient with infantile neuroaxonal dystrophy who harbored a second PLA2G6 variant on the opposite allele (PMID: 31493945); In silico analysis suggests that this missense variant does not alter protein structure/function; This variant is associated with the following publications: (PMID: 34426522, 29618726, 27467583, 31493945, 34272103, 29118384, 37024536)

Labcorp Genetics (formerly Invitae), Labcorp
Classification: Likely benign for Infantile neuroaxonal dystrophy. Last evaluated: 2026-01-28. Review status: criteria provided, single submitter. Criteria: Invitae Variant Classification Sherloc (09022015). Collection method: clinical testing. Allele origin: germline.

CeGaT Center for Human Genetics Tuebingen
Classification: Uncertain significance. Last evaluated: 2025-10-01. Review status: criteria provided, single submitter. Criteria: CeGaT Center For Human Genetics Tuebingen Variant Classification Criteria Version 2. Collection method: clinical testing. Allele origin: germline. Affected: yes. Observed: 12 variant alleles.
Comment: PLA2G6: PM2:Supporting, PM3:Supporting, BP4

Mayo Clinic Laboratories, Mayo Clinic
Classification: Uncertain significance. Last evaluated: 2025-09-04. Review status: criteria provided, single submitter. Criteria: ACMG Guidelines, 2015. Collection method: clinical testing. Allele origin: germline. Observed: 6 variant alleles.
Comment: BS1, BP4_moderate, PM3

Ambry Genetics
Classification: Uncertain significance for Inborn genetic diseases. Last evaluated: 2022-08-18. Review status: criteria provided, single submitter. Criteria: Ambry Variant Classification Scheme 2023. Collection method: clinical testing. Allele origin: germline.

3billion
Classification: Uncertain significance for Infantile neuroaxonal dystrophy. Last evaluated: 2022-01-03. Review status: criteria provided, single submitter. Criteria: ACMG Guidelines, 2015. Collection method: clinical testing. Allele origin: germline. Affected: yes. Observed: 1 homozygote.
Comment: Same nucleotide change resulting in same amino acid change has been previously reported to be associated with PLA2G6 related disorder (PMID:31493945, PS1_P). In silico tool predictions suggest damaging effect of the variant on gene or gene product (3CNET: 0.888, PP3_P). A missense variant is a common mechanism associated with Infantile neuroaxonal dystrophy 1 (PP2_P). It is observed at an extremely low frequency in the gnomAD v2.1.1 dataset (total allele frequency: 0.000485, PM2_M). Therefore, this variant is classified as uncertain significance according to the recommendation of ACMG/AMP guideline.

Athena Diagnostics
Classification: Uncertain significance. Last evaluated: 2020-10-28. Review status: criteria provided, single submitter. Criteria: Athena Diagnostics criteria. Collection method: clinical testing. Allele origin: unknown.

Clinical Genetics DNA and cytogenetics Diagnostics Lab, Erasmus MC, Erasmus Medical Center
Classification: Uncertain significance. Review status: no assertion criteria provided. Collection method: clinical testing. Allele origin: germline. Affected: yes. Study: VKGL Data-share Consensus. Not counted in ClinVar's aggregate classification.

Clinical Genetics, Academic Medical Center
Classification: Uncertain significance. Review status: no assertion criteria provided. Collection method: clinical testing. Allele origin: germline. Affected: yes. Study: VKGL Data-share Consensus. Not counted in ClinVar's aggregate classification.

Diagnostic Laboratory, Department of Genetics, University Medical Center Groningen
Classification: Uncertain significance. Review status: no assertion criteria provided. Collection method: clinical testing. Allele origin: germline. Affected: yes. Study: VKGL Data-share Consensus. Not counted in ClinVar's aggregate classification.

Literature cited by the submitters: PubMed 31493945 (cited by 4 submitters); PubMed 34272103 (cited by Mayo Clinic Laboratories, Mayo Clinic and Ambry Genetics); PubMed 37024536 (cited by Mayo Clinic Laboratories, Mayo Clinic); PubMed 40335451 (cited by Mayo Clinic Laboratories, Mayo Clinic).

NM_003560.4(PLA2G6):c.1408A>G (p.Met470Val)

Gene: PLA2G6 (phospholipase A2 group VI; minus strand). Cytogenetic location: 22q13.1.
Variant type: single nucleotide variant.
Coding change: c.1408A>G on transcript NM_003560.4 (MANE Select); coding-DNA position 1408, A replaced by G.
Protein change: p.Met470Val; replaces methionine 470 with valine.
Molecular consequence: missense variant.
Genome position (GRCh38, 1-based): chr22:38,126,390, T>C on the plus strand (A>G on the coding strand, the complement: PLA2G6 is on the minus strand). VCF-style: chr22-38126390-T-C. GRCh37 (hg19) VCF-style: chr22-38522397-T-C.
Other names: c.1246A>G, p.Met416Val (NM_001004426.3, NM_001199562.3, NM_001349865.2 and 1 more transcripts); c.1408A>G, p.Met470Val (NM_001349864.2); c.874A>G, p.Met292Val (NM_001349867.2); c.730A>G, p.Met244Val (NM_001349868.2); c.712A>G, p.Met238Val (NM_001349869.2); short protein forms M470V, M238V, M292V, M244V, M416V.
Identifiers: ClinVar variation 444589 (VCV000444589.67), dbSNP rs201801144, ClinGen allele CA10230879.